The following is an entry in ClinVar:

NM_015271.5(TRIM2):c.1408A>T (p.Ser470Cys)

Gene: TRIM2 (tripartite motif containing 2; plus strand). Cytogenetic location: 4q31.3.
Variant type: single nucleotide variant.
Coding change: c.1408A>T on transcript NM_015271.5 (MANE Select); coding-DNA position 1408, A replaced by T.
Protein change: p.Ser470Cys; replaces serine 470 with cysteine.
Molecular consequence: missense variant.
Genome position (GRCh38, 1-based): chr4:153,295,934, A>T. VCF-style: chr4-153295934-A-T. GRCh37 (hg19) VCF-style: chr4-154217086-A-T.
Other names: c.1327A>T, p.Ser443Cys (NM_001130067.2, NM_001351056.2, NM_001375512.1 and 5 more transcripts); c.1381A>T, p.Ser461Cys (NM_001351054.2); c.1378A>T, p.Ser460Cys (NM_001351055.2); c.952A>T, p.Ser318Cys (NM_001351057.2); c.1501A>T, p.Ser501Cys (NM_001375488.1); c.1498A>T, p.Ser500Cys (NM_001375489.1); c.1351A>T, p.Ser451Cys (NM_001375490.1); c.1348A>T, p.Ser450Cys (NM_001375491.1); and 3 more; short protein forms S443C, S460C, S500C, S358C, S450C, S470C, S357C, S359C.
Identifiers: ClinVar variation 3683523 (VCV003683523.2).

ClinVar aggregate classification (germline): Uncertain significance (1 of 4 stars; one submission).

Conditions:
Charcot-Marie-Tooth disease type 2R. Also called: CHARCOT-MARIE-TOOTH DISEASE, AXONAL, AUTOSOMAL RECESSIVE, TYPE 2R; Charcot-Marie-Tooth disease, axonal, type 2R; CHARCOT-MARIE-TOOTH NEUROPATHY, TYPE 2R. Identifiers: Orphanet 397968, MedGen C3809655, MONDO:0014208, OMIM 615490.

Submission:

Labcorp Genetics (formerly Invitae), Labcorp
Classification: Uncertain significance for Charcot-Marie-Tooth disease type 2R. Last evaluated: 2025-02-03. Review status: criteria provided, single submitter. Criteria: Invitae Variant Classification Sherloc (09022015). Collection method: clinical testing. Allele origin: germline.
Comment: This sequence change replaces serine, which is neutral and polar, with cysteine, which is neutral and slightly polar, at codon 443 of the TRIM2 protein (p.Ser443Cys). This variant is present in population databases (no rsID available, gnomAD 0.003%). This variant has not been reported in the literature in individuals affected with TRIM2-related conditions. An algorithm developed to predict the effect of missense changes on protein structure and function (PolyPhen-2) suggests that this variant is likely to be disruptive. In summary, the available evidence is currently insufficient to determine the role of this variant in disease. Therefore, it has been classified as a Variant of Uncertain Significance.